The following is an entry in ClinVar:

NM_001999.4(FBN2):c.1109T>G (p.Leu370Arg)

Gene: FBN2 (fibrillin 2; minus strand). Cytogenetic location: 5q23.3.
Variant type: single nucleotide variant.
Coding change: c.1109T>G on transcript NM_001999.4 (MANE Select); coding-DNA position 1109, T replaced by G.
Protein change: p.Leu370Arg; replaces leucine 370 with arginine.
Molecular consequence: missense variant.
Genome position (GRCh38, 1-based): chr5:128,395,244, A>C on the plus strand (T>G on the coding strand, the complement: FBN2 is on the minus strand). VCF-style: chr5-128395244-A-C. GRCh37 (hg19) VCF-style: chr5-127730937-A-C.
Other names: short protein forms L370R.
Identifiers: ClinVar variation 4762026 (VCV004762026.1).
Genomic context (GRCh38, chr5:128,395,244, plus strand): 5'-CAGCAGCACTGCATTTTCGTCATTCTCCCCGGGAGCTCTTGTGCACAGCGGCCATTCACC[A>C]GGCCCGAGAAACACATGCCTGTTCTCTGATCTGTGCATGTATAAATAAGACAGAAGATAT-3'
Protein context (NP_001990.2, residues 360-380): DQRTGMCFSG[Leu370Arg]VNGRCAQELP

ClinVar aggregate classification (germline): Uncertain significance (1 of 4 stars; one submission).

Conditions:
Congenital contractural arachnodactyly (CCA). Also called: Beals-Hecht syndrome; BEALS SYNDROME; Arthrogryposis, distal, type 9. Identifiers: Orphanet 115, MedGen C0220668, MONDO:0007363, OMIM 121050.

Submission:

Labcorp Genetics (formerly Invitae), Labcorp
Classification: Uncertain significance for Congenital contractural arachnodactyly. Last evaluated: 2025-05-26. Review status: criteria provided, single submitter. Criteria: Invitae Variant Classification Sherloc (09022015). Collection method: clinical testing. Allele origin: germline.
Comment: This sequence change replaces leucine, which is neutral and non-polar, with arginine, which is basic and polar, at codon 370 of the FBN2 protein (p.Leu370Arg). This variant is not present in population databases (gnomAD no frequency). This variant has not been reported in the literature in individuals affected with FBN2-related conditions. Invitae Evidence Modeling of protein sequence and biophysical properties (such as structural, functional, and spatial information, amino acid conservation, physicochemical variation, residue mobility, and thermodynamic stability) has been performed for this missense variant. However, the output from this modeling did not meet the statistical confidence thresholds required to predict the impact of this variant on FBN2 protein function. In summary, the available evidence is currently insufficient to determine the role of this variant in disease. Therefore, it has been classified as a Variant of Uncertain Significance.